The following is an entry in ClinVar:

NM_014249.4(NR2E3):c.860G>A (p.Gly287Asp)

Gene: NR2E3 (nuclear receptor subfamily 2 group E member 3; plus strand). Cytogenetic location: 15q23.
Variant type: single nucleotide variant.
Coding change: c.860G>A on transcript NM_014249.4 (MANE Select); coding-DNA position 860, G replaced by A.
Protein change: p.Gly287Asp; replaces glycine 287 with aspartic acid.
Molecular consequence: missense variant.
Genome position (GRCh38, 1-based): chr15:71,813,501, G>A. VCF-style: chr15-71813501-G-A. GRCh37 (hg19) VCF-style: chr15-72105841-G-A.
Other names: c.860G>A (NM_014249.2); c.860G>A, p.Gly287Asp (NM_016346.4); short protein forms G287D.
Identifiers: ClinVar variation 1354961 (VCV001354961.8), dbSNP rs752309343, ClinGen allele CA7640414.

ClinVar aggregate classification (germline): Uncertain significance. Review status: criteria provided, multiple submitters, no conflicts (2 of 4 stars). 3 submissions from 3 submitters: Uncertain significance (3). Last evaluated 2025-12-06.

Conditions:
Inborn genetic diseases. Identifiers: MedGen C0950123, MeSH D030342.

Allele frequency attached by ClinVar (database versions not stated): gnomAD 0.00001.

Submissions (3):

Labcorp Genetics (formerly Invitae), Labcorp
Classification: Uncertain significance. Last evaluated: 2025-12-06. Review status: criteria provided, single submitter. Criteria: Invitae Variant Classification Sherloc (09022015). Collection method: clinical testing. Allele origin: germline.
Comment: This sequence change replaces glycine, which is neutral and non-polar, with aspartic acid, which is acidic and polar, at codon 287 of the NR2E3 protein (p.Gly287Asp). This variant is present in population databases (rs752309343, gnomAD 0.02%). This variant has not been reported in the literature in individuals affected with NR2E3-related conditions. ClinVar contains an entry for this variant (Variation ID: 1354961). Invitae Evidence Modeling of protein sequence and biophysical properties (such as structural, functional, and spatial information, amino acid conservation, physicochemical variation, residue mobility, and thermodynamic stability) indicates that this missense variant is not expected to disrupt NR2E3 protein function with a negative predictive value of 80%. In summary, the available evidence is currently insufficient to determine the role of this variant in disease. Therefore, it has been classified as a Variant of Uncertain Significance.

Ambry Genetics
Classification: Uncertain significance for Inborn genetic diseases. Last evaluated: 2025-12-02. Review status: criteria provided, single submitter. Criteria: Ambry Variant Classification Scheme 2023. Collection method: clinical testing. Allele origin: germline.

Blueprint Genetics
Classification: Uncertain significance. Last evaluated: 2023-06-01. Review status: criteria provided, single submitter. Criteria: ACMG Guidelines, 2015. Collection method: clinical testing. Allele origin: germline.